The following is an entry in ClinVar:

NM_017617.5(NOTCH1):c.1309G>A (p.Glu437Lys)

Gene: NOTCH1 (notch receptor 1; minus strand). Cytogenetic location: 9q34.3.
Variant type: single nucleotide variant.
Coding change: c.1309G>A on transcript NM_017617.5 (MANE Select); coding-DNA position 1309, G replaced by A.
Protein change: p.Glu437Lys; replaces glutamic acid 437 with lysine.
Molecular consequence: missense variant.
Genome position (GRCh38, 1-based): chr9:136,517,884, C>T on the plus strand (G>A on the coding strand, the complement: NOTCH1 is on the minus strand). VCF-style: chr9-136517884-C-T. GRCh37 (hg19) VCF-style: chr9-139412336-C-T.
Other names: c.1309G>A, p.Glu437Lys (LRG_1122t1); c.1309G>A (NM_017617.4); short protein forms E437K.
Identifiers: ClinVar variation 409061 (VCV000409061.12), dbSNP rs1060502238, ClinGen allele CA16612689.

ClinVar aggregate classification (germline): Conflicting classifications of pathogenicity. Review status: criteria provided, conflicting classifications (1 of 4 stars). 3 submissions from 3 submitters: Uncertain significance (2); Benign (1). Last evaluated 2025-06-14.

Conditions:
NOTCH1-related disorder. Also called: NOTCH1-related disorders; NOTCH1-related condition.
Adams-Oliver syndrome 5 (AOS5). Identifiers: Orphanet 974, MedGen C4014970, MONDO:0014459, OMIM 616028.
Familial thoracic aortic aneurysm and aortic dissection (TAAD). Also called: Thoracic aortic aneurysms and dissections. Identifiers: Orphanet 91387, MedGen C4707243, MONDO:0019625.

Allele frequency attached by ClinVar (database versions not stated): gnomAD 0.00001; gnomAD exomes 0.00001; TOPMed 0.00001.
gnomAD v4.1: 7 of 1,612,224 alleles (0.00043%); highest among the groups gnomAD compares: African/African-American, 0.004%; no homozygotes.

Submissions (3):

Labcorp Genetics (formerly Invitae), Labcorp
Classification: Benign for Adams-Oliver syndrome 5. Last evaluated: 2025-06-14. Review status: criteria provided, single submitter. Criteria: Invitae Variant Classification Sherloc (09022015). Collection method: clinical testing. Allele origin: germline.

Ambry Genetics
Classification: Uncertain significance for Familial thoracic aortic aneurysm and aortic dissection. Last evaluated: 2025-01-16. Review status: criteria provided, single submitter. Criteria: Ambry Variant Classification Scheme 2023. Collection method: clinical testing. Allele origin: germline.
Comment: The p.E437K variant (also known as c.1309G>A), located in coding exon 8 of the NOTCH1 gene, results from a G to A substitution at nucleotide position 1309. The glutamic acid at codon 437 is replaced by lysine, an amino acid with similar properties. This amino acid position is conserved. In addition, the in silico prediction for this alteration is inconclusive. Since supporting evidence is limited at this time, the clinical significance of this alteration remains unclear.

PreventionGenetics, part of Exact Sciences
Classification: Uncertain significance for NOTCH1-related condition. Last evaluated: 2024-12-18. Review status: criteria provided, single submitter. Criteria: ACMG Guidelines, 2015. Collection method: clinical testing. Allele origin: germline.
Comment: The NOTCH1 c.1309G>A variant is predicted to result in the amino acid substitution p.Glu437Lys. To our knowledge, this variant has not been reported in the literature. This variant is reported in 0.0042% of alleles in individuals of African descent in gnomAD. At this time, the clinical significance of this variant is uncertain due to the absence of conclusive functional and genetic evidence.